The following is an entry in ClinVar:

ClinVar aggregate classification (germline): Uncertain significance. Review status: criteria provided, multiple submitters, no conflicts (2 of 4 stars). 2 submissions from 2 submitters: Uncertain significance (2). Last evaluated 2025-10-08.

gnomAD v4.1: 10 of 1,611,006 alleles (0.00062%); highest among the groups gnomAD compares: East Asian, 0.018%; no homozygotes.

Submissions (2):

Labcorp Genetics (formerly Invitae), Labcorp
Classification: Uncertain significance. Last evaluated: 2025-10-08. Review status: criteria provided, single submitter. Criteria: Invitae Variant Classification Sherloc (09022015). Collection method: clinical testing. Allele origin: germline.
Comment: This sequence change replaces aspartic acid, which is acidic and polar, with valine, which is neutral and non-polar, at codon 103 of the KL protein (p.Asp103Val). This variant is present in population databases (rs746989384, gnomAD 0.04%). This variant has not been reported in the literature in individuals affected with KL-related conditions. An algorithm developed to predict the effect of missense changes on protein structure and function (PolyPhen-2) suggests that this variant is likely to be tolerated. In summary, the available evidence is currently insufficient to determine the role of this variant in disease. Therefore, it has been classified as a Variant of Uncertain Significance.

Ambry Genetics
Classification: Uncertain significance. Last evaluated: 2025-06-18. Review status: criteria provided, single submitter. Criteria: Ambry Variant Classification Scheme 2023. Collection method: clinical testing. Allele origin: germline.

NM_004795.4(KL):c.308A>T (p.Asp103Val)

Gene: KL (klotho; plus strand). Cytogenetic location: 13q13.1.
Variant type: single nucleotide variant.
Coding change: c.308A>T on transcript NM_004795.4 (MANE Select); coding-DNA position 308, A replaced by T.
Protein change: p.Asp103Val; replaces aspartic acid 103 with valine.
Molecular consequence: missense variant.
Genome position (GRCh38, 1-based): chr13:33,016,748, A>T. VCF-style: chr13-33016748-A-T. GRCh37 (hg19) VCF-style: chr13-33590886-A-T.
Other names: short protein forms D103V.
Identifiers: ClinVar variation 4093212 (VCV004093212.2).